The following is an entry in ClinVar:

ClinVar aggregate classification (germline): Conflicting classifications of pathogenicity. Review status: criteria provided, conflicting classifications (1 of 4 stars). 3 submissions from 3 submitters: Uncertain significance (1); Likely benign (2). Last evaluated 2025-03-04.

Conditions:
Hereditary cancer-predisposing syndrome. Also called: Hereditary neoplastic syndrome; Neoplastic Syndromes, Hereditary; Tumor predisposition; Hereditary Cancer Syndrome. Identifiers: Orphanet 140162, MedGen C0027672, MeSH D009386, MONDO:0015356.
Hereditary breast ovarian cancer syndrome. Also called: Hereditary breast and/or ovarian cancer syndrome; Hereditary breast and ovarian cancer syndrome; Hereditary breast and ovarian cancer syndrome (HBOC); Breast and ovarian cancer; BRCA1- and BRCA2-Associated Hereditary Breast and Ovarian Cancer; Hereditary breast and ovarian cancer. Identifiers: Orphanet 145, MedGen C0677776, MeSH D061325, MONDO:0003582. Disease mechanism: loss of function.

Allele frequency attached by ClinVar (database versions not stated): ExAC 0.00001.
gnomAD v4.1: 1 of 1,605,136 alleles (0.000062%); highest among the groups gnomAD compares: Non-Finnish European, 0.000085%; no homozygotes.

Submissions (3):

Center for Genomic Medicine, Rigshospitalet, Copenhagen University Hospital
Classification: Likely benign. Last evaluated: 2025-03-04. Review status: criteria provided, single submitter. Criteria: ACMG Guidelines, 2015. Collection method: clinical testing. Allele origin: germline.

University of Washington Department of Laboratory Medicine, University of Washington
Classification: Likely benign for Hereditary cancer-predisposing syndrome. Last evaluated: 2023-03-23. Review status: criteria provided, single submitter. Criteria: Dines et al. (Genet Med. 2020). Collection method: curation. Allele origin: germline.
Comment: Missense variant in a coldspot region where missense variants are very unlikely to be pathogenic (PMID:31911673).

BRCA2 exon 10 coldspot. Reclassification based on statistical prior probability.

Labcorp Genetics (formerly Invitae), Labcorp
Classification: Uncertain significance for Hereditary breast ovarian cancer syndrome. Last evaluated: 2022-01-11. Review status: criteria provided, single submitter. Criteria: Invitae Variant Classification Sherloc (09022015). Collection method: clinical testing. Allele origin: germline.
Comment: In summary, the available evidence is currently insufficient to determine the role of this variant in disease. Therefore, it has been classified as a Variant of Uncertain Significance. Advanced modeling of protein sequence and biophysical properties (such as structural, functional, and spatial information, amino acid conservation, physicochemical variation, residue mobility, and thermodynamic stability) performed at Invitae indicates that this missense variant is not expected to disrupt BRCA2 protein function. ClinVar contains an entry for this variant (Variation ID: 947736). This variant has not been reported in the literature in individuals affected with BRCA2-related conditions. This variant is present in population databases (rs765924757, gnomAD 0.0009%). This sequence change replaces proline, which is neutral and non-polar, with threonine, which is neutral and polar, at codon 606 of the BRCA2 protein (p.Pro606Thr).

NM_000059.4(BRCA2):c.1816C>A (p.Pro606Thr)

Gene: BRCA2 (BRCA2 DNA repair associated; plus strand). Cytogenetic location: 13q13.1.
Variant type: single nucleotide variant.
Coding change: c.1816C>A on transcript NM_000059.4 (MANE Select); coding-DNA position 1816, C replaced by A.
Protein change: p.Pro606Thr; replaces proline 606 with threonine.
Molecular consequence: missense variant.
Genome position (GRCh38, 1-based): chr13:32,333,294, C>A. VCF-style: chr13-32333294-C-A. GRCh37 (hg19) VCF-style: chr13-32907431-C-A.
Other names: short protein forms P606T.
Identifiers: ClinVar variation 947736 (VCV000947736.12), dbSNP rs765924757, ClinGen allele CA6940543.